The following is an entry in ClinVar:

ClinVar aggregate classification (germline): Uncertain significance (1 of 4 stars; one submission).

Conditions:
Adams-Oliver syndrome 5 (AOS5). Identifiers: Orphanet 974, MedGen C4014970, MONDO:0014459, OMIM 616028.

Allele frequency attached by ClinVar (database versions not stated): gnomAD exomes below 0.00001; TOPMed below 0.00001.
gnomAD v4.1: 1 of 1,609,488 alleles (0.000062%); highest among the groups gnomAD compares: South Asian, 0.0011%; no homozygotes.

Submission:

Labcorp Genetics (formerly Invitae), Labcorp
Classification: Uncertain significance for Adams-Oliver syndrome 5. Last evaluated: 2025-08-18. Review status: criteria provided, single submitter. Criteria: Invitae Variant Classification Sherloc (09022015). Collection method: clinical testing. Allele origin: germline.
Comment: This sequence change replaces glycine, which is neutral and non-polar, with arginine, which is basic and polar, at codon 2236 of the NOTCH1 protein (p.Gly2236Arg). This variant is not present in population databases (gnomAD no frequency). This variant has not been reported in the literature in individuals affected with NOTCH1-related conditions. ClinVar contains an entry for this variant (Variation ID: 2849996). Invitae Evidence Modeling of protein sequence and biophysical properties (such as structural, functional, and spatial information, amino acid conservation, physicochemical variation, residue mobility, and thermodynamic stability) indicates that this missense variant is not expected to disrupt NOTCH1 protein function with a negative predictive value of 95%. In summary, the available evidence is currently insufficient to determine the role of this variant in disease. Therefore, it has been classified as a Variant of Uncertain Significance.

NM_017617.5(NOTCH1):c.6706G>A (p.Gly2236Arg)

Gene: NOTCH1 (notch receptor 1; minus strand). Cytogenetic location: 9q34.3.
Variant type: single nucleotide variant.
Coding change: c.6706G>A on transcript NM_017617.5 (MANE Select); coding-DNA position 6706, G replaced by A.
Protein change: p.Gly2236Arg; replaces glycine 2236 with arginine.
Molecular consequence: missense variant.
Genome position (GRCh38, 1-based): chr9:136,497,033, C>T on the plus strand (G>A on the coding strand, the complement: NOTCH1 is on the minus strand). VCF-style: chr9-136497033-C-T. GRCh37 (hg19) VCF-style: chr9-139391485-C-T.
Other names: short protein forms G2236R.
Identifiers: ClinVar variation 2849996 (VCV002849996.3), dbSNP rs1457252057, ClinGen allele CA375630619.